The following is an entry in ClinVar:

ClinVar aggregate classification (germline): Uncertain significance. Review status: criteria provided, multiple submitters, no conflicts (2 of 4 stars). 2 submissions from 2 submitters: Uncertain significance (2). Last evaluated 2024-08-19.

Conditions:
Inborn genetic diseases. Identifiers: MedGen C0950123, MeSH D030342.
SREBF1-related disorder. Also called: SREBF1-related condition.

Allele frequency attached by ClinVar (database versions not stated): gnomAD 0.00001; TOPMed 0.00003; ExAC 0.00005.

Submissions (2):

Ambry Genetics
Classification: Uncertain significance for Inborn genetic diseases. Last evaluated: 2024-08-19. Review status: criteria provided, single submitter. Criteria: Ambry Variant Classification Scheme 2023. Collection method: clinical testing. Allele origin: germline.

PreventionGenetics, part of Exact Sciences
Classification: Uncertain significance for SREBF1-related condition. Last evaluated: 2022-08-31. Review status: criteria provided, single submitter. Criteria: ACMG Guidelines, 2015. Collection method: clinical testing. Allele origin: germline.
Comment: The SREBF1 c.2006T>A variant is predicted to result in the amino acid substitution p.Leu669His. To our knowledge, this variant has not been reported in the literature. This variant is reported in 0.0043% of alleles in individuals of European (Non-Finnish) descent in gnomAD. At this time, the clinical significance of this variant is uncertain due to the absence of conclusive functional and genetic evidence.

NM_004176.5(SREBF1):c.1916T>A (p.Leu639His)

Gene: SREBF1 (sterol regulatory element binding transcription factor 1; minus strand). Cytogenetic location: 17p11.2.
Variant type: single nucleotide variant.
Coding change: c.1916T>A on transcript NM_004176.5 (MANE Select); coding-DNA position 1916, T replaced by A.
Protein change: p.Leu639His; replaces leucine 639 with histidine.
Molecular consequence: missense variant. On other transcripts: non-coding transcript variant (4).
Genome position (GRCh38, 1-based): chr17:17,816,588, A>T on the plus strand (T>A on the coding strand, the complement: SREBF1 is on the minus strand). VCF-style: chr17-17816588-A-T. GRCh37 (hg19) VCF-style: chr17-17719902-A-T.
Other names: c.2006T>A, p.Leu669His (NM_001005291.3); c.1844T>A, p.Leu615His (NM_001321096.3); c.1916T>A, p.Leu639His (NM_001388385.1, NM_001388386.1); c.1955T>A, p.Leu652His (NM_001388387.1); c.1871T>A, p.Leu624His (NM_001388388.1); c.1910T>A, p.Leu637His (NM_001388389.1); c.1898T>A, p.Leu633His (NM_001388390.1); c.1889T>A, p.Leu630His (NM_001388391.1); and 4 more; short protein forms L495H, L512H, L565H, L615H, L624H, L630H, L633H, L637H.
Identifiers: ClinVar variation 2635633 (VCV002635633.2), dbSNP rs766119997, ClinGen allele CA8419847.